The following is an entry in ClinVar:

ClinVar aggregate classification (germline): Uncertain significance. Review status: criteria provided, multiple submitters, no conflicts (2 of 4 stars). 2 submissions from 2 submitters: Uncertain significance (2). Last evaluated 2026-04-02.

Conditions:
FBN2-related disorder. Also called: FBN2-related condition.
Familial thoracic aortic aneurysm and aortic dissection (TAAD). Also called: Thoracic aortic aneurysms and dissections. Identifiers: Orphanet 91387, MedGen C4707243, MONDO:0019625.

Submissions (2):

Ambry Genetics
Classification: Uncertain significance for Familial thoracic aortic aneurysm and aortic dissection. Last evaluated: 2026-04-02. Review status: criteria provided, single submitter. Criteria: Ambry Variant Classification Scheme 2023. Collection method: clinical testing. Allele origin: germline.
Comment: The p.D1124E variant (also known as c.3372C>A), located in coding exon 26 of the FBN2 gene, results from a C to A substitution at nucleotide position 3372. The aspartic acid at codon 1124 is replaced by glutamic acid, an amino acid with highly similar properties. This amino acid position is conserved. In addition, the in silico prediction for this alteration is inconclusive. Based on the available evidence, the clinical significance of this variant remains unclear.

PreventionGenetics, part of Exact Sciences
Classification: Uncertain significance for FBN2-related condition. Last evaluated: 2022-11-08. Review status: criteria provided, single submitter. Criteria: ACMG Guidelines, 2015. Collection method: clinical testing. Allele origin: germline.
Comment: The FBN2 c.3372C>A variant is predicted to result in the amino acid substitution p.Asp1124Glu. To our knowledge, this variant has not been reported in the literature. This variant is reported in 0.0054% of alleles in individuals of East Asian descent in gnomAD. At this time, the clinical significance of this variant is uncertain due to the absence of conclusive functional and genetic evidence.

NM_001999.4(FBN2):c.3372C>A (p.Asp1124Glu)

Gene: FBN2 (fibrillin 2; minus strand). Cytogenetic location: 5q23.3.
Variant type: single nucleotide variant.
Coding change: c.3372C>A on transcript NM_001999.4 (MANE Select); coding-DNA position 3372, C replaced by A.
Protein change: p.Asp1124Glu; replaces aspartic acid 1124 with glutamic acid.
Molecular consequence: missense variant.
Genome position (GRCh38, 1-based): chr5:128,339,033, G>T on the plus strand (C>A on the coding strand, the complement: FBN2 is on the minus strand). VCF-style: chr5-128339033-G-T. GRCh37 (hg19) VCF-style: chr5-127674725-G-T.
Other names: short protein forms D1124E.
Identifiers: ClinVar variation 2637356 (VCV002637356.2), dbSNP rs1178674630, ClinGen allele CA360760037.
Genomic context (GRCh38, chr5:128,339,033, plus strand): 5'-TTCGAAGCACTCGCACTCAAAGCTGCCCGGTGTATTGACGCAGATTCCACTGCCACAGAG[G>T]TCAGGAGAAATCCTGCACTCGTCGATGTCTAATTCACAGGGTTTAAAAGAAATTTAAAAA-3'
Protein context (NP_001990.2, residues 1114-1134): TDIDECRISP[Asp1124Glu]LCGSGICVNT